The following is an entry in ClinVar:

ClinVar aggregate classification (germline): Pathogenic. Review status: criteria provided, multiple submitters, no conflicts (2 of 4 stars). 2 submissions from 2 submitters: Pathogenic (2). Last evaluated 2025-07-09.

Conditions:
Hereditary cancer-predisposing syndrome. Also called: Hereditary Cancer Syndrome; Tumor predisposition; Neoplastic Syndromes, Hereditary; Hereditary neoplastic syndrome. Identifiers: Orphanet 140162, MedGen C0027672, MeSH D009386, MONDO:0015356.
Cardiovascular phenotype. Identifiers: MedGen CN230736.
Neurofibromatosis, type 1 (NF1). Also called: VON RECKLINGHAUSEN DISEASE; Peripheral type neurofibromatosis; Neurofibromatosis, type I; NEUROFIBROMATOSIS, TYPE I, SOMATIC. Identifiers: Orphanet 636, MedGen C0027831, MONDO:0018975, OMIM 162200. Disease mechanism: loss of function.

Submissions (2):

Ambry Genetics
Classification: Pathogenic for Cardiovascular phenotype; Hereditary cancer-predisposing syndrome. Last evaluated: 2025-07-09. Review status: criteria provided, single submitter. Criteria: Ambry Variant Classification Scheme 2023. Collection method: clinical testing. Allele origin: germline.
Comment: The c.5460dupA pathogenic mutation, located in coding exon 37 of the NF1 gene, results from a duplication of A at nucleotide position 5460, causing a translational frameshift with a predicted alternate stop codon (p.H1821Tfs*20). This variant is considered to be rare based on population cohorts in the Genome Aggregation Database (gnomAD). This alteration is expected to result in loss of function by premature protein truncation or nonsense-mediated mRNA decay. As such, this alteration is interpreted as a disease-causing mutation.

Institute of Human Genetics, University of Leipzig Medical Center
Classification: Pathogenic for Neurofibromatosis, type 1. Last evaluated: 2024-09-04. Review status: criteria provided, single submitter. Criteria: ACMG Guidelines, 2015. Collection method: clinical testing. Allele origin: unknown. Inheritance: Autosomal dominant inheritance. Affected: yes.
Comment: Criteria applied: PVS1,PM2_SUP,PP4

NM_001042492.3(NF1):c.5523dup (p.His1842fs)

Gene: NF1 (neurofibromin 1; plus strand). Cytogenetic location: 17q11.2.
Variant type: Duplication.
Coding change: c.5523dup on transcript NM_001042492.3 (MANE Select); coding-DNA position 5523, one base duplicated (A; older notation c.5523dupA).
Protein change: p.His1842fs; shifts the reading frame from histidine 1842.
Molecular consequence: frameshift variant.
Genome position (GRCh38, 1-based): chr17:31,327,753, A duplicated; the last of 2 consecutive A bases (chr17:31,327,752-31,327,753); duplicating either gives the same sequence. VCF-style (leftmost placement, unchanged base first): chr17-31327751-C-CA. GRCh37 (hg19) VCF-style: chr17-29654769-C-CA.
Other names: c.5460dupA (NM_000267.3); c.5460dup, p.His1821Thrfs (NM_000267.4); short protein forms H1821fs, H1842fs.
Identifiers: ClinVar variation 3359103 (VCV003359103.3).